The following is an entry in ClinVar:

ClinVar aggregate classification (germline): Benign/Likely benign. Review status: criteria provided, multiple submitters, no conflicts (2 of 4 stars). 8 submissions from 8 submitters: Benign (3); Likely benign (3). 2 of the submissions do not count toward it. Last evaluated 2026-01-31.

Conditions:
Neuroblastoma (NB). Identifiers: Orphanet 635, MedGen C0027819, MeSH D009447, MONDO:0005072, HP:0003006.
Charcot-Marie-Tooth disease. Also called: Charcot-Marie-Tooth Neuropathy; Charcot-Marie-Tooth Hereditary Neuropathy. Identifiers: Orphanet 166, MedGen C0007959, MONDO:0015626.
Charcot-Marie-Tooth disease type 2. Also called: Charcot-Marie-Tooth type 2. Identifiers: Orphanet 64746, MedGen C0270914, MONDO:0018993.

Allele frequency attached by ClinVar (database versions not stated): gnomAD 0.00052 and 0.00070; gnomAD exomes 0.00077 and 0.00161; ExAC 0.00170; TOPMed 0.00090; 1000 Genomes Project 30x 0.00187; 1000 Genomes Project 0.00220; ESP Exome Variant Server 0.00015.
gnomAD v4.1: 1,222 of 1,614,130 alleles (0.076%); highest among the groups gnomAD compares: East Asian, 2%; 11 homozygotes.

Submissions (8):

Labcorp Genetics (formerly Invitae), Labcorp
Classification: Benign for Charcot-Marie-Tooth disease type 2. Last evaluated: 2026-01-31. Review status: criteria provided, single submitter. Criteria: Invitae Variant Classification Sherloc (09022015). Collection method: clinical testing. Allele origin: germline.

Ambry Genetics
Classification: Likely benign. Last evaluated: 2020-09-03. Review status: criteria provided, single submitter. Criteria: Ambry Variant Classification Scheme 2023. Collection method: clinical testing. Allele origin: germline.

ARUP Laboratories, Molecular Genetics and Genomics, ARUP Laboratories
Classification: Benign. Last evaluated: 2020-07-02. Review status: criteria provided, single submitter. Criteria: ARUP Molecular Germline Variant Investigation Process. Collection method: clinical testing. Allele origin: germline.

Illumina Laboratory Services, Illumina
Classification: Benign for Neuroblastoma. Last evaluated: 2018-01-12. Review status: criteria provided, single submitter. Criteria: ICSL Variant Classification Criteria 13 December 2019. Collection method: clinical testing. Allele origin: germline.
Comment: This variant was observed in the ICSL laboratory as part of a predisposition screen in an ostensibly healthy population. It had not been previously curated by ICSL or reported in the Human Gene Mutation Database (HGMD: prior to June 1st, 2018), and was therefore a candidate for classification through an automated scoring system. Utilizing variant allele frequency, disease prevalence and penetrance estimates, and inheritance mode, an automated score was calculated to assess if this variant is too frequent to cause the disease. Based on the score and internal cut-off values, a variant classified as benign is not then subjected to further curation. The score for this variant resulted in a classification of benign for this disease.

Breakthrough Genomics
Classification: Likely benign. Review status: criteria provided, single submitter. Criteria: ACMG Guidelines, 2015. Collection method: not provided. Allele origin: germline. Inheritance: Autosomal dominant inheritance. Affected: yes.

Molecular Genetics Laboratory, London Health Sciences Centre
Classification: Likely benign for Charcot-Marie-Tooth disease. Review status: criteria provided, single submitter. Criteria: ACMG Guidelines, 2015. Collection method: clinical testing. Allele origin: germline. Affected: yes.

Clinical Genetics, Academic Medical Center
Classification: Benign. Review status: no assertion criteria provided. Collection method: clinical testing. Allele origin: germline. Affected: yes. Study: VKGL Data-share Consensus. Not counted in ClinVar's aggregate classification.

Genome Diagnostics Laboratory, University Medical Center Utrecht
Classification: Benign. Review status: no assertion criteria provided. Collection method: clinical testing. Allele origin: germline. Affected: yes. Study: VKGL Data-share Consensus. Not counted in ClinVar's aggregate classification.

NM_001365951.3(KIF1B):c.2874C>T (p.Asp958=)

Genes: KIF1B (kinesin family member 1B; plus strand), LOC126805614 (BRD4-independent group 4 enhancer GRCh37_chr1:10385546-10386745; plus strand). Cytogenetic location: 1p36.22.
Variant type: single nucleotide variant.
Coding change: c.2874C>T on transcript NM_001365951.3 (MANE Select); coding-DNA position 2874, C replaced by T.
Protein change: p.Asp958=; no amino-acid change (aspartic acid 958 retained).
Molecular consequence: synonymous variant.
Genome position (GRCh38, 1-based): chr1:10,326,309, C>T. VCF-style: chr1-10326309-C-T. GRCh37 (hg19) VCF-style: chr1-10386367-C-T.
Other names: c.2874C>T, p.Asp958= (NM_001365952.1); c.2736C>T, p.Asp912= (NM_015074.3).
Identifiers: ClinVar variation 291563 (VCV000291563.30), dbSNP rs150831576, ClinGen allele CA581630.